The following is an entry in ClinVar:

ClinVar aggregate classification (germline): Uncertain significance (1 of 4 stars; one submission).

Conditions:
Hereditary spastic paraplegia 11. Also called: Spastic paraplegia, mental retardation and thin corpus callosum; SPASTIC PARAPLEGIA, AUTOSOMAL RECESSIVE, COMPLICATED, WITH THIN CORPUS CALLOSUM; SPASTIC PARAPLEGIA, AUTOSOMAL RECESSIVE, WITH MENTAL IMPAIRMENT AND THIN CORPUS CALLOSUM; Spastic Paraplegia 11; Nakamura Osame syndrome; Autosomal recessive hereditary spastic paraplegia, mental impairment, and thin corpus callosum. Identifiers: Orphanet 2822, MedGen C1858479, MONDO:0011445, OMIM 604360.

Submission:

Labcorp Genetics (formerly Invitae), Labcorp
Classification: Uncertain significance for Hereditary spastic paraplegia 11. Last evaluated: 2018-07-20. Review status: criteria provided, single submitter. Criteria: Invitae Variant Classification Sherloc (09022015). Collection method: clinical testing. Allele origin: germline.
Comment: This variant results in a copy number gain of the genomic region encompassing the full coding sequence of the SPG11 gene. The boundaries of this event are unknown as they extend beyond the assayed region for this gene and therefore may encompass additional genes. As the precise location of this event is unknown, it may be in tandem or it may be located elsewhere in the genome. This variant has not been reported in the literature in individuals with SPG11-related disease. In summary, the available evidence is currently insufficient to determine the role of this variant in disease. Therefore, it has been classified as a Variant of Uncertain Significance.

NC_000015.9:g.(?_44855299)_44955865dup

Gene: SPG11 (SPG11 vesicle trafficking associated, spatacsin; minus strand).
Variant type: Duplication.
Identifiers: ClinVar variation 1042684 (VCV001042684.2).